The following is an entry in ClinVar:

ClinVar aggregate classification (germline): Pathogenic (1 of 4 stars; one submission).

Submission:

GeneDx
Classification: Pathogenic. Last evaluated: 2021-12-09. Review status: criteria provided, single submitter. Criteria: GeneDx Variant Classification Process June 2021. Collection method: clinical testing. Allele origin: germline. Affected: yes.
Comment: Frameshift variant predicted to result in protein truncation or nonsense mediated decay in a gene for which loss-of-function is a known mechanism of disease; Not observed in large population cohorts (Lek et al., 2016); Has not been previously published as pathogenic or benign to our knowledge

NM_030665.4(RAI1):c.860_861del (p.Gln287fs)

Gene: RAI1 (retinoic acid induced 1; plus strand). Cytogenetic location: 17p11.2.
Variant type: Deletion.
Coding change: c.860_861del on transcript NM_030665.4 (MANE Select); coding-DNA positions 860 to 861, 2 bases deleted (AG; older notation c.860_861delAG).
Protein change: p.Gln287fs; shifts the reading frame from glutamine 287.
Molecular consequence: frameshift variant.
Genome position (GRCh38, 1-based): chr17:17,793,808-17,793,809, AG deleted. VCF-style (leftmost placement, unchanged base first): chr17-17793807-CAG-C. GRCh37 (hg19) VCF-style: chr17-17697121-CAG-C.
Other names: short protein forms Q287fs.
Identifiers: ClinVar variation 1327891 (VCV001327891.2), dbSNP rs2143001767, ClinGen allele CA2573054335.